The following is an entry in ClinVar:

NM_001846.4(COL4A2):c.3346+3dup

Gene: COL4A2 (collagen type IV alpha 2 chain; plus strand). Cytogenetic location: 13q34.
Variant type: Duplication.
Coding change: c.3346+3dup on transcript NM_001846.4 (MANE Select); 3 bases into the intron after coding-DNA position 3346, one base duplicated (A; older notation c.3346+3dupA).
Molecular consequence: intron variant.
Genome position (GRCh38, 1-based): chr13:110,489,788, A duplicated. VCF-style (leftmost placement, unchanged base first): chr13-110489787-T-TA. GRCh37 (hg19) VCF-style: chr13-111142134-T-TA.
Identifiers: ClinVar variation 2115362 (VCV002115362.4), dbSNP rs761761900, ClinGen allele CA7050175.

ClinVar aggregate classification (germline): Uncertain significance (1 of 4 stars; one submission).

Allele frequency attached by ClinVar (database versions not stated): ExAC 0.00001; gnomAD exomes 0.00001.

Submission:

Labcorp Genetics (formerly Invitae), Labcorp
Classification: Uncertain significance. Last evaluated: 2022-03-20. Review status: criteria provided, single submitter. Criteria: Invitae Variant Classification Sherloc (09022015). Collection method: clinical testing. Allele origin: germline.
Comment: This sequence change falls in intron 36 of the COL4A2 gene. It does not directly change the encoded amino acid sequence of the COL4A2 protein. It affects a nucleotide within the consensus splice site. This variant has not been reported in the literature in individuals affected with COL4A2-related conditions. This variant is present in population databases (rs761761900, gnomAD 0.01%). In summary, the available evidence is currently insufficient to determine the role of this variant in disease. Therefore, it has been classified as a Variant of Uncertain Significance. Variants that disrupt the consensus splice site are a relatively common cause of aberrant splicing (PMID: 17576681, 9536098). Algorithms developed to predict the effect of sequence changes on RNA splicing suggest that this variant is not likely to affect RNA splicing.

Literature cited by the submitters: PubMed 17576681; PubMed 9536098.